The following is an entry in ClinVar:

ClinVar aggregate classification (germline): Uncertain significance. Review status: criteria provided, multiple submitters, no conflicts (2 of 4 stars). 4 submissions from 4 submitters: Uncertain significance (4). Last evaluated 2026-09-08.

Conditions:
Fabry disease. Also called: ALPHA-GALACTOSIDASE A DEFICIENCY; ANDERSON-FABRY DISEASE; CERAMIDE TRIHEXOSIDASE DEFICIENCY; GLA DEFICIENCY; HEREDITARY DYSTOPIC LIPIDOSIS; Fabry's disease. Identifiers: Orphanet 324, MedGen C0002986, MONDO:0010526, OMIM 301500, HP:0001071. Disease mechanism: loss of function, Fabry disease is due to inactivating mutations in the X-linked GLA gene resulting in deficiency of the enzyme Alpha Galactosidase-A..

Allele frequency attached by ClinVar (database versions not stated): gnomAD exomes below 0.00001 and 0.00001.
gnomAD v4.1: 2 of 1,206,895 alleles (0.00017%); highest among the groups gnomAD compares: Non-Finnish European, 0.00022%; no homozygotes.

Submissions (4):

Genomenon, Inc
Classification: Uncertain significance for Fabry disease. Last evaluated: 2026-09-08. Review status: criteria provided, single submitter. Criteria: Genomenon Sequence Variant Interpretation Standards - Updated. Collection method: curation. Allele origin: germline. Affected: no.
Comment: GLA p.Met70Val (c.208A>G) is a missense variant that changes the amino acid at codon 70 from Methionine to Valine. This variant has been reported in the published literature (PMID:38895855). It is absent or not present at a significant frequency in gnomAD. In conclusion, we classify GLA p.Met70Val (c.208A>G) as a variant of uncertain significance.

Color Diagnostics, LLC DBA Color Health
Classification: Uncertain significance for Fabry disease. Last evaluated: 2024-03-07. Review status: criteria provided, single submitter. Criteria: ACMG Guidelines, 2015. Collection method: clinical testing. Allele origin: germline.
Comment: This missense variant replaces methionine with valine at codon 70 of the GLA protein. Computational prediction is inconclusive regarding the impact of this variant on protein structure and function (internally defined REVEL score threshold 0.5 < inconclusive < 0.7, PMID: 27666373). To our knowledge, functional studies have not been reported for this variant. This variant has not been reported in individuals affected with cardiovascular disorders in the literature. This variant has been identified in 1/182985 chromosomes in the general population by the Genome Aggregation Database (gnomAD). The available evidence is insufficient to determine the role of this variant in disease conclusively. Therefore, this variant is classified as a Variant of Uncertain Significance.

Revvity Omics, Revvity
Classification: Uncertain significance. Last evaluated: 2022-10-19. Review status: criteria provided, single submitter. Criteria: ACMG Guidelines, 2015. Collection method: clinical testing. Allele origin: germline.

Labcorp Genetics (formerly Invitae), Labcorp
Classification: Uncertain significance for Fabry disease. Last evaluated: 2021-12-21. Review status: criteria provided, single submitter. Criteria: Invitae Variant Classification Sherloc (09022015). Collection method: clinical testing. Allele origin: germline.
Comment: Algorithms developed to predict the effect of missense changes on protein structure and function (SIFT, PolyPhen-2, Align-GVGD) all suggest that this variant is likely to be tolerated. ClinVar contains an entry for this variant (Variation ID: 1172250). This variant has not been reported in the literature in individuals affected with GLA-related conditions. This variant is present in population databases (no rsID available, gnomAD 0.001%). This sequence change replaces methionine, which is neutral and non-polar, with valine, which is neutral and non-polar, at codon 70 of the GLA protein (p.Met70Val). In summary, the available evidence is currently insufficient to determine the role of this variant in disease. Therefore, it has been classified as a Variant of Uncertain Significance.

Literature cited by the submitters: PubMed 38895855 (cited by Genomenon, Inc).

NM_000169.3(GLA):c.208A>G (p.Met70Val)

Genes: GLA (galactosidase alpha; minus strand), RPL36A-HNRNPH2 (RPL36A-HNRNPH2 readthrough; plus strand). Cytogenetic location: Xq22.1.
Variant type: single nucleotide variant.
Coding change: c.208A>G on transcript NM_000169.3 (MANE Select); coding-DNA position 208, A replaced by G.
Protein change: p.Met70Val; replaces methionine 70 with valine.
Molecular consequence: missense variant. On other transcripts: non-coding transcript variant (3), intron variant (2).
Genome position (GRCh38, 1-based): chrX:101,403,972, T>C on the plus strand (A>G on the coding strand, the complement: GLA is on the minus strand). VCF-style: chrX-101403972-T-C. GRCh37 (hg19) VCF-style: chrX-100658960-T-C.
Other names: c.331A>G, p.Met111Val (NM_001406747.1, NM_001406749.1); c.208A>G, p.Met70Val (NM_001406748.1); c.301-7964T>C (NM_001199973.2); c.178-7964T>C (NM_001199974.2); short protein forms M70V, M111V.
Identifiers: ClinVar variation 1172250 (VCV001172250.13), dbSNP rs1555986330, ClinGen allele CA413934581.
Genomic context (GRCh38, chrX:101,403,972, plus strand): 5'-AGAGGTACTCATAACCTGCATCCTTCCAGCCTTCTGAGACCATGAGCTCTGCCATCTCCA[T>C]GAAGAGCTTCTCACTGAAAGAGAAATTCCAATAATCATTACAATTCATTAAATGAACACT-3'
Protein context (NP_000160.1, residues 60-80): PDSCISEKLF[Met70Val]EMAELMVSEG